The following is an entry in ClinVar:

NM_205768.3(ZBTB18):c.1045C>T (p.Pro349Ser)

Gene: ZBTB18 (zinc finger and BTB domain containing 18; plus strand). Cytogenetic location: 1q44.
Variant type: single nucleotide variant.
Coding change: c.1045C>T on transcript NM_205768.3 (MANE Select); coding-DNA position 1045, C replaced by T.
Protein change: p.Pro349Ser; replaces proline 349 with serine.
Molecular consequence: missense variant. On other transcripts: 3 prime UTR variant (1).
Genome position (GRCh38, 1-based): chr1:244,054,819, C>T. VCF-style: chr1-244054819-C-T. GRCh37 (hg19) VCF-style: chr1-244218121-C-T.
Other names: c.1018C>T, p.Pro340Ser (NM_001278196.2, NM_006352.5); c.*222C>T (NM_001421566.1); short protein forms P349S, P340S.
Identifiers: ClinVar variation 2776352 (VCV002776352.3), dbSNP rs199606875, ClinGen allele CA1484382.
Genomic context (GRCh38, chr1:244,054,819, plus strand): 5'-GACTCGGTCTTGAGGGAGCTGGACCGGGAGGACAAAGCCAGTGATGATGAGATGATGACC[C>T]CAGAGAGCGAGCGTGTCCAGGTGGAGGGAGGCATGGAGAGCAGTCTGCTCCCCTACGTCT-3'
Protein context (NP_991331.1, residues 339-359): DKASDDEMMT[Pro349Ser]ESERVQVEGG

ClinVar aggregate classification (germline): Uncertain significance (1 of 4 stars; one submission).

Allele frequency attached by ClinVar (database versions not stated): gnomAD exomes below 0.00001; ExAC 0.00002; gnomAD 0.00003; TOPMed 0.00003; 1000 Genomes Project 0.00020; 1000 Genomes Project 30x 0.00031.

Submission:

Labcorp Genetics (formerly Invitae), Labcorp
Classification: Uncertain significance. Last evaluated: 2025-04-21. Review status: criteria provided, single submitter. Criteria: Invitae Variant Classification Sherloc (09022015). Collection method: clinical testing. Allele origin: germline.
Comment: This sequence change replaces proline, which is neutral and non-polar, with serine, which is neutral and polar, at codon 349 of the ZBTB18 protein (p.Pro349Ser). This variant is present in population databases (rs199606875, gnomAD 0.008%). This variant has not been reported in the literature in individuals affected with ZBTB18-related conditions. ClinVar contains an entry for this variant (Variation ID: 2776352). Invitae Evidence Modeling of protein sequence and biophysical properties (such as structural, functional, and spatial information, amino acid conservation, physicochemical variation, residue mobility, and thermodynamic stability) indicates that this missense variant is not expected to disrupt ZBTB18 protein function with a negative predictive value of 95%. In summary, the available evidence is currently insufficient to determine the role of this variant in disease. Therefore, it has been classified as a Variant of Uncertain Significance.